The following is an entry in ClinVar:

NM_022098.4(XPNPEP3):c.*809C>A

Gene: XPNPEP3 (X-prolyl aminopeptidase 3; plus strand). Cytogenetic location: 22q13.2.
Variant type: single nucleotide variant.
Coding change: c.*809C>A on transcript NM_022098.4 (MANE Select); 809 bases downstream of the stop codon, C replaced by A.
Molecular consequence: 3 prime UTR variant.
Genome position (GRCh38, 1-based): chr22:40,927,244, C>A. VCF-style: chr22-40927244-C-A. GRCh37 (hg19) VCF-style: chr22-41323248-C-A.
Identifiers: ClinVar variation 341687 (VCV000341687.5), dbSNP rs57486044, ClinGen allele CA10654135.
Genomic context (GRCh38, chr22:40,927,244, plus strand): 5'-AGACATCAGGGCTGGGCACAGCGGTTCCGCCTGTAATCCCAGCACTTTGGGAGGTCCAGG[C>A]AGGTGGATCTCTTGAGACCAGGAGGTCAAGACCAGCCTGGCCAACGTGGTGAAACACTGT-3'

ClinVar aggregate classification (germline): Benign (1 of 4 stars; one submission).

Conditions:
Nephronophthisis-like nephropathy 1 (NPHPL1). Identifiers: Orphanet 655, MedGen C3150419, MONDO:0013163, OMIM 613159.

Allele frequency attached by ClinVar (database versions not stated): 1000 Genomes Project 30x 0.00734; 1000 Genomes Project 0.00779; gnomAD 0.00843 and 0.00866; TOPMed 0.00968.

Submission:

Illumina Laboratory Services, Illumina
Classification: Benign for Nephronophthisis-like nephropathy 1. Last evaluated: 2018-01-13. Review status: criteria provided, single submitter. Criteria: ICSL Variant Classification Criteria 13 December 2019. Collection method: clinical testing. Allele origin: germline.
Comment: This variant was observed in the ICSL laboratory as part of a predisposition screen in an ostensibly healthy population. It had not been previously curated by ICSL or reported in the Human Gene Mutation Database (HGMD: prior to June 1st, 2018), and was therefore a candidate for classification through an automated scoring system. Utilizing variant allele frequency, disease prevalence and penetrance estimates, and inheritance mode, an automated score was calculated to assess if this variant is too frequent to cause the disease. Based on the score and internal cut-off values, a variant classified as benign is not then subjected to further curation. The score for this variant resulted in a classification of benign for this disease.